The following is an entry in ClinVar:

ClinVar aggregate classification (germline): Likely benign (1 of 4 stars; one submission).

gnomAD v4.1: 102 of 1,535,516 alleles (0.0066%); highest among the groups gnomAD compares: Middle Eastern, 0.16%; no homozygotes.

Submission:

CeGaT Center for Human Genetics Tuebingen
Classification: Likely benign. Last evaluated: 2026-02-01. Review status: criteria provided, single submitter. Criteria: CeGaT Center For Human Genetics Tuebingen Variant Classification Criteria Version 2. Collection method: clinical testing. Allele origin: germline. Affected: yes. Observed: 1 variant allele.
Comment: SGCE: BP4, BP7

NM_003919.3(SGCE):c.1297+977A>G

Genes: CASD1 (CAS1 domain sialic acid O acetyltransferase 1; plus strand), SGCE (sarcoglycan epsilon; minus strand). Cytogenetic location: 7q21.3.
Variant type: single nucleotide variant.
Coding change: c.1297+977A>G on transcript NM_003919.3 (MANE Select); 977 bases into the intron after coding-DNA position 1297, A replaced by G.
Molecular consequence: intron variant.
Genome position (GRCh38, 1-based): chr7:94,587,712, T>C on the plus strand (A>G on the coding strand, the complement: SGCE is on the minus strand). VCF-style: chr7-94587712-T-C. GRCh37 (hg19) VCF-style: chr7-94217024-T-C.
Other names: c.1147+977A>G (NM_001362809.2); c.1174+977A>G (NM_001301139.2); c.1270+977A>G (NM_001346717.2); c.1305+66A>G (NM_001099400.2); c.1372+977A>G (NM_001099401.2); c.1378+977A>G (NM_001346715.2); c.1405+977A>G (NM_001346713.2); c.1183+977A>G (NM_001362807.2); and 3 more.
Identifiers: ClinVar variation 4820892 (VCV004820892.4).